The following is an entry in ClinVar:

NM_000388.4(CASR):c.2087T>C (p.Leu696Pro)

Gene: CASR (calcium sensing receptor; plus strand). Cytogenetic location: 3q21.1.
Variant type: single nucleotide variant.
Coding change: c.2087T>C on transcript NM_000388.4 (MANE Select); coding-DNA position 2087, T replaced by C.
Protein change: p.Leu696Pro; replaces leucine 696 with proline.
Molecular consequence: missense variant.
Genome position (GRCh38, 1-based): chr3:122,284,041, T>C. VCF-style: chr3-122284041-T-C. GRCh37 (hg19) VCF-style: chr3-122002888-T-C.
Other names: c.2117T>C, p.Leu706Pro (NM_001178065.2); short protein forms L696P, L706P.
Identifiers: ClinVar variation 1177289 (VCV001177289.3), dbSNP rs2107649925, ClinGen allele CA354158475.

ClinVar aggregate classification (germline): Uncertain significance. Review status: criteria provided, multiple submitters, no conflicts (2 of 4 stars). 2 submissions from 2 submitters: Uncertain significance (2). Last evaluated 2025-09-10.

Conditions:
Familial hypocalciuric hypercalcemia (FHH). Also called: Familial benign hypercalcemia. Identifiers: Orphanet 405, MedGen C1809471, MONDO:0018458.
Autosomal dominant hypocalcemia 1 (HYPOC1). Also called: HYPOCALCEMIA, FAMILIAL. Identifiers: MedGen C3715128, MONDO:0011013, OMIM 601198.

Submissions (2):

Labcorp Genetics (formerly Invitae), Labcorp
Classification: Uncertain significance for Familial hypocalciuric hypercalcemia; Autosomal dominant hypocalcemia 1. Last evaluated: 2025-09-10. Review status: criteria provided, single submitter. Criteria: Invitae Variant Classification Sherloc (09022015). Collection method: clinical testing. Allele origin: germline.
Comment: This sequence change replaces leucine, which is neutral and non-polar, with proline, which is neutral and non-polar, at codon 696 of the CASR protein (p.Leu696Pro). This variant is not present in population databases (gnomAD no frequency). This missense change has been observed in individual(s) with familial hypercalcemia hypocalciuria (PMID: 31672324). ClinVar contains an entry for this variant (Variation ID: 1177289). An algorithm developed to predict the effect of missense changes on protein structure and function (PolyPhen-2) suggests that this variant is likely to be disruptive. In summary, the available evidence is currently insufficient to determine the role of this variant in disease. Therefore, it has been classified as a Variant of Uncertain Significance.

Women's Health and Genetics/Laboratory Corporation of America, LabCorp
Classification: Uncertain significance. Last evaluated: 2023-10-31. Review status: criteria provided, single submitter. Criteria: LabCorp Variant Classification Summary - May 2015. Collection method: clinical testing. Allele origin: germline.
Comment: Variant summary: CASR c.2087T>C (p.Leu696Pro) results in a non-conservative amino acid change located in the GPCR family 3, C-terminal domain (IPR017978) of the encoded protein sequence. Five of five in-silico tools predict a damaging effect of the variant on protein function. The variant was absent in 251448 control chromosomes. The available data on variant occurrences in the general population are insufficient to allow any conclusion about variant significance. c.2087T>C has been reported in the literature in an individual affected with Familial Hypocalciuric Hypercalcemia (Hureaux_2019). This report does not provide unequivocal conclusions about association of the variant with Familial Hypocalciuric Hypercalcemia. To our knowledge, no experimental evidence demonstrating an impact on protein function has been reported. The following publication have been ascertained in the context of this evaluation (PMID: 31672324). No submitters have cited clinical-significance assessments for this variant to ClinVar after 2014. Based on the evidence outlined above, the variant was classified as uncertain significance.

Literature cited by the submitters: PubMed 31672324 (cited by Labcorp Genetics (formerly Invitae), Labcorp and Women's Health and Genetics/Laboratory Corporation of America, LabCorp).